The following is an entry in ClinVar:

NM_030662.4(MAP2K2):c.575A>T (p.His192Leu)

Gene: MAP2K2 (mitogen-activated protein kinase kinase 2; minus strand). Cytogenetic location: 19p13.3.
Variant type: single nucleotide variant.
Coding change: c.575A>T on transcript NM_030662.4 (MANE Select); coding-DNA position 575, A replaced by T.
Protein change: p.His192Leu; replaces histidine 192 with leucine.
Molecular consequence: missense variant.
Genome position (GRCh38, 1-based): chr19:4,101,234, T>A on the plus strand (A>T on the coding strand, the complement: MAP2K2 is on the minus strand). VCF-style: chr19-4101234-T-A. GRCh37 (hg19) VCF-style: chr19-4101232-T-A.
Other names: c.575A>T, p.His192Leu (NM_001440688.1); c.5A>T, p.His2Leu (NM_001440689.1); short protein forms H192L, H2L.
Identifiers: ClinVar variation 4802523 (VCV004802523.1).

ClinVar aggregate classification (germline): Uncertain significance (1 of 4 stars; one submission).

Conditions:
RASopathy. Also called: rasopathies; Noonan spectrum disorder. Identifiers: Orphanet 536391, MedGen C5555857, MONDO:0021060.

Submission:

Labcorp Genetics (formerly Invitae), Labcorp
Classification: Uncertain significance for RASopathy. Last evaluated: 2026-01-10. Review status: criteria provided, single submitter. Criteria: Invitae Variant Classification Sherloc (09022015). Collection method: clinical testing. Allele origin: germline.
Comment: This sequence change replaces histidine, which is basic and polar, with leucine, which is neutral and non-polar, at codon 192 of the MAP2K2 protein (p.His192Leu). This variant is not present in population databases (gnomAD no frequency). This variant has not been reported in the literature in individuals affected with MAP2K2-related conditions. Invitae Evidence Modeling of protein sequence and biophysical properties (such as structural, functional, and spatial information, amino acid conservation, physicochemical variation, residue mobility, and thermodynamic stability) indicates that this missense variant is expected to disrupt MAP2K2 protein function with a positive predictive value of 95%. In summary, the available evidence is currently insufficient to determine the role of this variant in disease. Therefore, it has been classified as a Variant of Uncertain Significance.